The following is an entry in ClinVar:

ClinVar aggregate classification (germline): Uncertain significance. Review status: criteria provided, multiple submitters, no conflicts (2 of 4 stars). 2 submissions from 2 submitters: Uncertain significance (2). Last evaluated 2026-07-01.

gnomAD v4.1: 109 of 1,613,908 alleles (0.0068%); highest among the groups gnomAD compares: Middle Eastern, 0.016%; no homozygotes.

Submissions (2):

CeGaT Center for Human Genetics Tuebingen
Classification: Uncertain significance. Last evaluated: 2026-07-01. Review status: criteria provided, single submitter. Criteria: CeGaT Center For Human Genetics Tuebingen Variant Classification Criteria Version 2. Collection method: clinical testing. Allele origin: germline. Affected: yes. Observed: 1 variant allele.
Comment: LRP1: PM2:Supporting, PP2

Ambry Genetics
Classification: Uncertain significance. Last evaluated: 2024-04-26. Review status: criteria provided, single submitter. Criteria: Ambry Variant Classification Scheme 2023. Collection method: clinical testing. Allele origin: germline.

NM_002332.3(LRP1):c.4283G>A (p.Arg1428Gln)

Genes: LRP1 (LDL receptor related protein 1; plus strand), LOC126861539 (CDK7 strongly-dependent group 2 enhancer GRCh37_chr12:57570347-57571546; plus strand). Cytogenetic location: 12q13.3.
Variant type: single nucleotide variant.
Coding change: c.4283G>A on transcript NM_002332.3 (MANE Select); coding-DNA position 4283, G replaced by A.
Protein change: p.Arg1428Gln; replaces arginine 1428 with glutamine.
Molecular consequence: missense variant.
Genome position (GRCh38, 1-based): chr12:57,177,513, G>A. VCF-style: chr12-57177513-G-A. GRCh37 (hg19) VCF-style: chr12-57571296-G-A.
Other names: short protein forms R1428Q.
Identifiers: ClinVar variation 3291359 (VCV003291359.2).